The following is an entry in ClinVar:

NM_015272.5(RPGRIP1L):c.3234G>A (p.Met1078Ile)

Gene: RPGRIP1L (RPGRIP1 like; minus strand). Cytogenetic location: 16q12.2.
Variant type: single nucleotide variant.
Coding change: c.3234G>A on transcript NM_015272.5 (MANE Select); coding-DNA position 3234, G replaced by A.
Protein change: p.Met1078Ile; replaces methionine 1078 with isoleucine.
Molecular consequence: missense variant.
Genome position (GRCh38, 1-based): chr16:53,636,499, C>T on the plus strand (G>A on the coding strand, the complement: RPGRIP1L is on the minus strand). VCF-style: chr16-53636499-C-T. GRCh37 (hg19) VCF-style: chr16-53670411-C-T.
Other names: c.3132G>A, p.Met1044Ile (NM_001127897.4, NM_001330538.2); c.3234G>A, p.Met1078Ile (NM_001308334.3); short protein forms M1044I, M1078I.
Identifiers: ClinVar variation 4982046 (VCV004982046.1).

ClinVar aggregate classification (germline): Uncertain significance (1 of 4 stars; one submission).

Conditions:
RPGRIP1L-related disorder. Also called: RPGRIP1L-related disorders; RPGRIP1L-related condition. Identifiers: MedGen CN239416.

Submission:

PreventionGenetics, part of Exact Sciences
Classification: Uncertain significance for RPGRIP1L-related condition. Last evaluated: 2026-07-28. Review status: criteria provided, single submitter. Criteria: ACMG Guidelines, 2015. Collection method: clinical testing. Allele origin: germline.
Comment: The RPGRIP1L c.3234G>A variant is predicted to result in the amino acid substitution p.Met1078Ile. To our knowledge, this variant has not been reported in the literature or in a large population database (gnomAD), indicating this variant is rare. At this time, the clinical significance of this variant is uncertain due to the absence of conclusive functional and genetic evidence.